The following is an entry in ClinVar:

ClinVar aggregate classification (germline): Uncertain significance (1 of 4 stars; one submission).

Allele frequency attached by ClinVar (database versions not stated): gnomAD exomes 0.00001.
gnomAD v4.1: 3 of 1,613,896 alleles (0.00019%); highest among the groups gnomAD compares: Non-Finnish European, 0.00025%; no homozygotes.

Submission:

CeGaT Center for Human Genetics Tuebingen
Classification: Uncertain significance. Last evaluated: 2022-03-01. Review status: criteria provided, single submitter. Criteria: CeGaT Center For Human Genetics Tuebingen Variant Classification Criteria Version 2. Collection method: clinical testing. Allele origin: germline. Affected: yes. Observed: 1 variant allele.
Comment: F5: PM2

NM_000130.5(F5):c.6230T>C (p.Ile2077Thr)

Gene: F5 (coagulation factor V; minus strand). Cytogenetic location: 1q24.2.
Variant type: single nucleotide variant.
Coding change: c.6230T>C on transcript NM_000130.5 (MANE Select); coding-DNA position 6230, T replaced by C.
Protein change: p.Ile2077Thr; replaces isoleucine 2077 with threonine.
Molecular consequence: missense variant.
Genome position (GRCh38, 1-based): chr1:169,518,527, A>G on the plus strand (T>C on the coding strand, the complement: F5 is on the minus strand). VCF-style: chr1-169518527-A-G. GRCh37 (hg19) VCF-style: chr1-169487765-A-G.
Other names: short protein forms I2077T.
Identifiers: ClinVar variation 1675393 (VCV001675393.33), dbSNP rs2101803535, ClinGen allele CA343120843.
Genomic context (GRCh38, chr1:169,518,527, plus strand): 5'-TCCCAGTAATCTCCCCACCAAGATTTCTTAAACGAAGAAGCTGTGATTTGCTTGTTTTCT[A>G]TCTTTCCATTTTCCATACCCAGGGGTGTGGAACATCCTATCAAAAGAAAAGTAACGTGAT-3'
Protein context (NP_000121.2, residues 2067-2087): STPLGMENGK[Ile2077Thr]ENKQITASSF